The following is an entry in ClinVar:

NM_001365999.1(SZT2):c.2624A>G (p.His875Arg)

Gene: SZT2 (SZT2 subunit of KICSTOR complex; plus strand). Cytogenetic location: 1p34.2.
Variant type: single nucleotide variant.
Coding change: c.2624A>G on transcript NM_001365999.1 (MANE Select); coding-DNA position 2624, A replaced by G.
Protein change: p.His875Arg; replaces histidine 875 with arginine.
Molecular consequence: missense variant.
Genome position (GRCh38, 1-based): chr1:43,425,186, A>G. VCF-style: chr1-43425186-A-G. GRCh37 (hg19) VCF-style: chr1-43890857-A-G.
Other names: c.2624A>G, p.His875Arg (NM_015284.4); short protein forms H875R.
Identifiers: ClinVar variation 2069783 (VCV002069783.1), dbSNP rs2545815076, ClinGen allele CA340013811.

ClinVar aggregate classification (germline): Uncertain significance (1 of 4 stars; one submission).

Allele frequency attached by ClinVar (database versions not stated): gnomAD exomes below 0.00001.
gnomAD v4.1: 1 of 1,613,776 alleles (0.000062%); highest among the groups gnomAD compares: Non-Finnish European, 0.000085%; no homozygotes.

Submission:

Labcorp Genetics (formerly Invitae), Labcorp
Classification: Uncertain significance. Last evaluated: 2022-08-16. Review status: criteria provided, single submitter. Criteria: Invitae Variant Classification Sherloc (09022015). Collection method: clinical testing. Allele origin: germline.
Comment: This sequence change replaces histidine, which is basic and polar, with arginine, which is basic and polar, at codon 875 of the SZT2 protein (p.His875Arg). This variant is not present in population databases (gnomAD no frequency). This variant has not been reported in the literature in individuals affected with SZT2-related conditions. Algorithms developed to predict the effect of missense changes on protein structure and function (SIFT, PolyPhen-2, Align-GVGD) all suggest that this variant is likely to be disruptive. In summary, the available evidence is currently insufficient to determine the role of this variant in disease. Therefore, it has been classified as a Variant of Uncertain Significance.